The following is an entry in ClinVar:

ClinVar aggregate classification (germline): Uncertain significance (1 of 4 stars; one submission).

Conditions:
Alstrom syndrome (ALMS). Identifiers: Orphanet 64, MedGen C0268425, MONDO:0008763, OMIM 203800.

Submission:

Labcorp Genetics (formerly Invitae), Labcorp
Classification: Uncertain significance for Alstrom syndrome. Last evaluated: 2022-04-23. Review status: criteria provided, single submitter. Criteria: Invitae Variant Classification Sherloc (09022015). Collection method: clinical testing. Allele origin: germline.
Comment: This sequence change replaces asparagine, which is neutral and polar, with lysine, which is basic and polar, at codon 3923 of the ALMS1 protein (p.Asn3923Lys). This variant is not present in population databases (gnomAD no frequency). This variant has not been reported in the literature in individuals affected with ALMS1-related conditions. Experimental studies and prediction algorithms are not available or were not evaluated, and the functional significance of this variant is currently unknown. In summary, the available evidence is currently insufficient to determine the role of this variant in disease. Therefore, it has been classified as a Variant of Uncertain Significance.

NM_001378454.1(ALMS1):c.11766C>G (p.Asn3922Lys)

Gene: ALMS1 (ALMS1 centrosome and basal body associated protein; plus strand). Cytogenetic location: 2p13.1.
Variant type: single nucleotide variant.
Coding change: c.11766C>G on transcript NM_001378454.1 (MANE Select); coding-DNA position 11766, C replaced by G.
Protein change: p.Asn3922Lys; replaces asparagine 3922 with lysine.
Molecular consequence: missense variant.
Genome position (GRCh38, 1-based): chr2:73,600,775, C>G. VCF-style: chr2-73600775-C-G. GRCh37 (hg19) VCF-style: chr2-73827902-C-G.
Other names: c.11769C>G, p.Asn3923Lys (NM_015120.4); short protein forms N3922K, N3923K.
Identifiers: ClinVar variation 1496254 (VCV001496254.3), dbSNP rs2104193506, ClinGen allele CA347264401.